The following is an entry in ClinVar:

NM_000059.4(BRCA2):c.4996A>G (p.Asn1666Asp)

Gene: BRCA2 (BRCA2 DNA repair associated; plus strand). Cytogenetic location: 13q13.1.
Variant type: single nucleotide variant.
Coding change: c.4996A>G on transcript NM_000059.4 (MANE Select); coding-DNA position 4996, A replaced by G.
Protein change: p.Asn1666Asp; replaces asparagine 1666 with aspartic acid.
Molecular consequence: missense variant. On other transcripts: non-coding transcript variant (1), intron variant (2).
Genome position (GRCh38, 1-based): chr13:32,339,351, A>G. VCF-style: chr13-32339351-A-G. GRCh37 (hg19) VCF-style: chr13-32913488-A-G.
Other names: c.4996A>G, p.Asn1666Asp (NM_001406719.1, NM_001406720.1); c.1910-5207A>G (NM_001406721.1); c.425-5207A>G (NM_001406722.1); short protein forms N1666D.
Identifiers: ClinVar variation 3075628 (VCV003075628.1), dbSNP rs747191784, ClinGen allele CA6940838.

ClinVar aggregate classification (germline): Uncertain significance (1 of 4 stars; one submission).

Conditions:
Breast-ovarian cancer, familial, susceptibility to, 2 (BROVCA2). Also called: BRCA2 Hereditary Breast and Ovarian Cancer. Identifiers: Orphanet 145, MedGen C2675520, MONDO:0012933, OMIM 612555. Disease mechanism: loss of function.

Allele frequency attached by ClinVar (database versions not stated): gnomAD exomes 0.00001; ExAC 0.00002.
gnomAD v4.1: 3 of 1,589,972 alleles (0.00019%); highest among the groups gnomAD compares: East Asian, 0.0067%; no homozygotes.

Submission:

All of Us Research Program, National Institutes of Health
Classification: Uncertain significance for Breast-ovarian cancer, familial, susceptibility to, 2. Last evaluated: 2023-05-04. Review status: criteria provided, single submitter. Criteria: ACMG Guidelines, 2015. Collection method: clinical testing. Allele origin: germline. Inheritance: Autosomal dominant inheritance. Observed: 1 variant allele, 1 heterozygote.
Comment: This missense variant replaces asparagine with aspartic acid at codon 1666 of the BRCA2 protein. Computational prediction suggests that this variant may not impact protein structure and function (internally defined REVEL score threshold <= 0.5, PMID: 27666373). To our knowledge, functional studies have not been reported for this variant. This variant has not been reported in individuals affected with BRCA2-related disorders in the literature. This variant has been identified in 3/231534 chromosomes in the general population by the Genome Aggregation Database (gnomAD). The available evidence is insufficient to determine the role of this variant in disease conclusively. Therefore, this variant is classified as a Variant of Uncertain Significance.

This study involves interpretation of variants in research participants for the purpose of population health screening. Participant phenotype was not available at the time of variant classification. Additional details can be found in publication PMID: 35346344, PMCID: PMC8962531